The following is an entry in ClinVar:

NM_001374259.2(IL12RB2):c.1396G>A (p.Asp466Asn)

Gene: IL12RB2 (interleukin 12 receptor subunit beta 2; plus strand). Cytogenetic location: 1p31.3.
Variant type: single nucleotide variant.
Coding change: c.1396G>A on transcript NM_001374259.2 (MANE Select); coding-DNA position 1396, G replaced by A.
Protein change: p.Asp466Asn; replaces aspartic acid 466 with asparagine.
Molecular consequence: missense variant. On other transcripts: non-coding transcript variant (2).
Genome position (GRCh38, 1-based): chr1:67,367,962, G>A. VCF-style: chr1-67367962-G-A. GRCh37 (hg19) VCF-style: chr1-67833645-G-A.
Other names: c.1396G>A, p.Asp466Asn (NM_001559.3, NM_001258214.1, NM_001258215.1 and 2 more transcripts); c.1396G>A (NM_001559.2); short protein forms D466N.
Identifiers: ClinVar variation 2892531 (VCV002892531.4), dbSNP rs370544465, ClinGen allele CA900481.

ClinVar aggregate classification (germline): Uncertain significance. Review status: criteria provided, multiple submitters, no conflicts (2 of 4 stars). 2 submissions from 2 submitters: Uncertain significance (2). Last evaluated 2025-07-14.

Allele frequency attached by ClinVar (database versions not stated): gnomAD 0.00001; TOPMed 0.00002; ExAC 0.00004; ESP Exome Variant Server 0.00008; gnomAD exomes 0.00009.
gnomAD v4.1: 123 of 1,610,788 alleles (0.0076%); highest among the groups gnomAD compares: Non-Finnish European, 0.01%; no homozygotes.

Submissions (2):

Ambry Genetics
Classification: Uncertain significance. Last evaluated: 2025-07-14. Review status: criteria provided, single submitter. Criteria: Ambry Variant Classification Scheme 2023. Collection method: clinical testing. Allele origin: germline.

Labcorp Genetics (formerly Invitae), Labcorp
Classification: Uncertain significance. Last evaluated: 2023-06-20. Review status: criteria provided, single submitter. Criteria: Invitae Variant Classification Sherloc (09022015). Collection method: clinical testing. Allele origin: germline.
Comment: This sequence change replaces aspartic acid, which is acidic and polar, with asparagine, which is neutral and polar, at codon 466 of the IL12RB2 protein (p.Asp466Asn). This variant is present in population databases (rs370544465, gnomAD 0.008%). This variant has not been reported in the literature in individuals affected with IL12RB2-related conditions. An algorithm developed to predict the effect of missense changes on protein structure and function (PolyPhen-2) suggests that this variant is likely to be tolerated. In summary, the available evidence is currently insufficient to determine the role of this variant in disease. Therefore, it has been classified as a Variant of Uncertain Significance.